The following is an entry in ClinVar:

ClinVar aggregate classification (germline): Uncertain significance. Review status: criteria provided, multiple submitters, no conflicts (2 of 4 stars). 2 submissions from 2 submitters: Uncertain significance (2). Last evaluated 2026-01-09.

Conditions:
Cardiovascular phenotype. Identifiers: MedGen CN230736.
Dilated cardiomyopathy 1W (CMD1W). Identifiers: Orphanet 154, MedGen C1969639, MONDO:0012667, OMIM 611407.

Submissions (2):

Ambry Genetics
Classification: Uncertain significance for Cardiovascular phenotype. Last evaluated: 2026-01-09. Review status: criteria provided, single submitter. Criteria: Ambry Variant Classification Scheme 2023. Collection method: clinical testing. Allele origin: germline.
Comment: The c.2132-3C>A intronic variant results from a C to A substitution 3 nucleotides upstream from coding exon 16 in the VCL gene. This nucleotide position is well conserved in available vertebrate species. In silico splice site analysis predicts that this alteration will not have any significant effect on splicing. Based on the available evidence, the clinical significance of this variant remains unclear.

Labcorp Genetics (formerly Invitae), Labcorp
Classification: Uncertain significance for Dilated cardiomyopathy 1W. Last evaluated: 2021-08-28. Review status: criteria provided, single submitter. Criteria: Invitae Variant Classification Sherloc (09022015). Collection method: clinical testing. Allele origin: germline.

NM_014000.3(VCL):c.2132-3C>A

Gene: VCL (vinculin; plus strand). Cytogenetic location: 10q22.2.
Variant type: single nucleotide variant.
Coding change: c.2132-3C>A on transcript NM_014000.3 (MANE Select); 3 bases into the intron before coding-DNA position 2132, C replaced by A.
Molecular consequence: intron variant.
Genome position (GRCh38, 1-based): chr10:74,105,048, C>A. VCF-style: chr10-74105048-C-A. GRCh37 (hg19) VCF-style: chr10-75864806-C-A.
Other names: c.2132-3C>A (NM_003373.4).
Identifiers: ClinVar variation 1008797 (VCV001008797.7), dbSNP rs1840110148, ClinGen allele CA1919896881.